The following is an entry in ClinVar:

NM_025009.5(CEP135):c.297C>T (p.His99=)

Gene: CEP135 (centrosomal protein 135; plus strand). Cytogenetic location: 4q12.
Variant type: single nucleotide variant.
Coding change: c.297C>T on transcript NM_025009.5 (MANE Select); coding-DNA position 297, C replaced by T.
Protein change: p.His99=; no amino-acid change (histidine 99 retained).
Molecular consequence: synonymous variant.
Genome position (GRCh38, 1-based): chr4:55,953,268, C>T. VCF-style: chr4-55953268-C-T. GRCh37 (hg19) VCF-style: chr4-56819434-C-T.
Identifiers: ClinVar variation 128700 (VCV000128700.35), dbSNP rs115408010, ClinGen allele CA152304.

ClinVar aggregate classification (germline): Benign/Likely benign. Review status: criteria provided, multiple submitters, no conflicts (2 of 4 stars). 7 submissions from 7 submitters: Benign (2); Likely benign (4). 1 of the submissions does not count toward it. Last evaluated 2026-08-01.

Conditions:
CEP135-related disorder. Also called: CEP135-related condition.

Allele frequency attached by ClinVar (database versions not stated): 1000 Genomes Project 0.00300; 1000 Genomes Project 30x 0.00312; TOPMed 0.00355; ESP Exome Variant Server 0.00377.
gnomAD v4.1: 1,304 of 1,508,172 alleles (0.086%); highest among the groups gnomAD compares: African/African-American, 0.99%; 5 homozygotes.

Submissions (7):

CeGaT Center for Human Genetics Tuebingen
Classification: Likely benign. Last evaluated: 2026-08-01. Review status: criteria provided, single submitter. Criteria: CeGaT Center For Human Genetics Tuebingen Variant Classification Criteria Version 2. Collection method: clinical testing. Allele origin: germline. Affected: yes. Observed: 3 variant alleles.
Comment: CEP135: BP4, BP7

Labcorp Genetics (formerly Invitae), Labcorp
Classification: Benign. Last evaluated: 2026-01-26. Review status: criteria provided, single submitter. Criteria: Invitae Variant Classification Sherloc (09022015). Collection method: clinical testing. Allele origin: germline.

Blueprint Genetics
Classification: Likely benign. Last evaluated: 2024-10-24. Review status: criteria provided, single submitter. Criteria: ACMG Guidelines, 2015. Collection method: clinical testing. Allele origin: germline.

GeneDx
Classification: Likely benign. Last evaluated: 2020-06-25. Review status: criteria provided, single submitter. Criteria: GeneDx Variant Classification Process June 2021. Collection method: clinical testing. Allele origin: germline. Affected: yes.

Genetic Services Laboratory, University of Chicago
Classification: Benign for AllHighlyPenetrant. Last evaluated: 2013-12-03. Review status: criteria provided, single submitter. Criteria: ACMG Guidelines, 2007. Collection method: clinical testing. Allele origin: germline. Inheritance: Autosomal recessive inheritance.

Breakthrough Genomics
Classification: Likely benign. Review status: criteria provided, single submitter. Criteria: ACMG Guidelines, 2015. Collection method: not provided. Allele origin: germline. Inheritance: Autosomal recessive inheritance. Affected: yes.

PreventionGenetics, part of Exact Sciences
Classification: Benign for CEP135-related condition. Last evaluated: 2021-06-07. Review status: no assertion criteria provided. Collection method: clinical testing. Allele origin: germline. Not counted in ClinVar's aggregate classification.
Comment: This variant is classified as benign based on ACMG/AMP sequence variant interpretation guidelines (Richards et al. 2015 PMID: 25741868, with internal and published modifications).